The following is an entry in ClinVar:

NM_001085411.3(NADK2):c.560+9G>T

Gene: NADK2 (NAD kinase 2, mitochondrial; minus strand). Cytogenetic location: 5p13.2.
Variant type: single nucleotide variant.
Coding change: c.560+9G>T on transcript NM_001085411.3 (MANE Select); 9 bases into the intron after coding-DNA position 560, G replaced by T.
Molecular consequence: intron variant.
Genome position (GRCh38, 1-based): chr5:36,225,533, C>A on the plus strand (G>T on the coding strand, the complement: NADK2 is on the minus strand). VCF-style: chr5-36225533-C-A. GRCh37 (hg19) VCF-style: chr5-36225635-C-A.
Other names: c.71+9G>T (NM_153013.5, NM_001287341.2, NM_001287340.2).
Identifiers: ClinVar variation 516561 (VCV000516561.13), dbSNP rs202012633, ClinGen allele CA3234700.

ClinVar aggregate classification (germline): Likely benign. Review status: criteria provided, multiple submitters, no conflicts (2 of 4 stars). 3 submissions from 3 submitters: Likely benign (3). Last evaluated 2025-05-10.

Conditions:
Progressive encephalopathy with leukodystrophy due to DECR deficiency. Identifiers: Orphanet 431361, MedGen C1857252, MONDO:0014464, OMIM 616034.

Allele frequency attached by ClinVar (database versions not stated): gnomAD 0.00014 and 0.00016; TOPMed 0.00019; ESP Exome Variant Server 0.00023; gnomAD exomes 0.00048; ExAC 0.00054; 1000 Genomes Project 0.00060; 1000 Genomes Project 30x 0.00062.
gnomAD v4.1: 409 of 1,607,500 alleles (0.025%); highest among the groups gnomAD compares: South Asian, 0.21%; 4 homozygotes.

Submissions (3):

Labcorp Genetics (formerly Invitae), Labcorp
Classification: Likely benign for Progressive encephalopathy with leukodystrophy due to DECR deficiency. Last evaluated: 2025-05-10. Review status: criteria provided, single submitter. Criteria: Invitae Variant Classification Sherloc (09022015). Collection method: clinical testing. Allele origin: germline.

Blueprint Genetics
Classification: Likely benign. Last evaluated: 2024-10-25. Review status: criteria provided, single submitter. Criteria: ACMG Guidelines, 2015. Collection method: clinical testing. Allele origin: germline.

GeneDx
Classification: Likely benign. Last evaluated: 2017-08-24. Review status: criteria provided, single submitter. Criteria: GeneDx Variant Classification (06012015). Collection method: clinical testing. Allele origin: germline. Affected: yes.
Comment: This variant is considered likely benign or benign based on one or more of the following criteria: it is a conservative change, it occurs at a poorly conserved position in the protein, it is predicted to be benign by multiple in silico algorithms, and/or has population frequency not consistent with disease.